The following is an entry in ClinVar:

NM_001384474.1(LOXHD1):c.2795dup (p.Lys933fs)

Gene: LOXHD1 (lipoxygenase homology PLAT domains 1; minus strand). Cytogenetic location: 18q21.1.
Variant type: Duplication.
Coding change: c.2795dup on transcript NM_001384474.1 (MANE Select); coding-DNA position 2795, one base duplicated (T; older notation c.2795dupT).
Protein change: p.Lys933fs; shifts the reading frame from lysine 933.
Molecular consequence: frameshift variant.
Genome position (GRCh38, 1-based): chr18:46,560,349, A duplicated on the plus strand (T on the coding strand, the reverse complement: LOXHD1 is on the minus strand). VCF-style (leftmost placement, unchanged base first): chr18-46560348-C-CA. GRCh37 (hg19) VCF-style: chr18-44140311-C-CA.
Other names: c.2795dup, p.Lys933fs (NM_144612.7); short protein forms K933fs.
Identifiers: ClinVar variation 4081721 (VCV004081721.1).
Genomic context (GRCh38, chr18:46,560,348, plus strand): 5'-CCCCTCGTCCTCTTCGTCGCTGCCCTTCCTCTTCTTCTTCTTCCTCTGCAGCTTGGCCTT[C>CA]AGCCGCTCCTTCTTGAGCAGCTGCCGCAGCTTGTCCTTCTCCTTCTTCTTCCGGGCCTCC-3'

ClinVar aggregate classification (germline): Pathogenic (1 of 4 stars; one submission).

Conditions:
Autosomal recessive nonsyndromic hearing loss 77. Identifiers: Orphanet 90636, MedGen C2746083, MONDO:0013119, OMIM 613079.

Submission:

Myriad Genetics, Inc.
Classification: Pathogenic for Autosomal recessive nonsyndromic hearing loss 77. Last evaluated: 2025-05-16. Review status: criteria provided, single submitter. Criteria: Myriad Autosomal Dominant, Autosomal Recessive and X-Linked Classification Criteria (2023). Collection method: clinical testing. Allele origin: unknown.
Comment: NM_144612.6(LOXHD1):c.2795dupT(K933Efs*56) is a frameshift variant classified as pathogenic in the context of nonsyndromic hearing loss, LOXHD1-related. K933Efs*56 has not been observed in cases with relevant disease. Relevant functional assessments of this variant are not available in the literature. K933Efs*56 has not been observed in referenced population frequency databases. In summary, NM_144612.6(LOXHD1):c.2795dupT(K933Efs*56) is a frameshift variant in a gene where loss of function is a known mechanism of disease and is predicted to disrupt protein function. Please note: this variant was assessed in the context of healthy population screening.